The following is an entry in ClinVar:

ClinVar aggregate classification (germline): Uncertain significance. Review status: criteria provided, multiple submitters, no conflicts (2 of 4 stars). 2 submissions from 2 submitters: Uncertain significance (2). Last evaluated 2026-05-19.

Conditions:
Dyskeratosis congenita. Identifiers: Orphanet 1775, MedGen C0265965, MONDO:0015780.

Submissions (2):

Women's Health and Genetics/Laboratory Corporation of America, LabCorp
Classification: Uncertain significance. Last evaluated: 2026-05-19. Review status: criteria provided, single submitter. Criteria: LabCorp Variant Classification Summary - May 2015. Collection method: clinical testing. Allele origin: germline.
Comment: Variant summary: TINF2 c.799_801delAGA (p.Arg267del) results in an in-frame deletion that is predicted to remove one amino acid from the encoded protein. The variant allele was found at a frequency of 8e-06 in 249304 control chromosomes. The available data on variant occurrences in the general population are insufficient to allow any conclusion about variant significance. To our knowledge, no occurrence of c.799_801delAGA in individuals affected with TINF2-related conditions and no experimental evidence demonstrating its impact on protein function have been reported. ClinVar contains an entry for this variant (Variation ID: 4744441). Based on the evidence outlined above, the variant was classified as uncertain significance.

Labcorp Genetics (formerly Invitae), Labcorp
Classification: Uncertain significance for Dyskeratosis congenita. Last evaluated: 2025-05-30. Review status: criteria provided, single submitter. Criteria: Invitae Variant Classification Sherloc (09022015). Collection method: clinical testing. Allele origin: germline.
Comment: This variant, c.799_801del, results in the deletion of 1 amino acid(s) of the TINF2 protein (p.Arg267del), but otherwise preserves the integrity of the reading frame. This variant is present in population databases (rs777178703, gnomAD 0.002%). This variant has not been reported in the literature in individuals affected with TINF2-related conditions. Experimental studies and prediction algorithms are not available or were not evaluated, and the functional significance of this variant is currently unknown. In summary, the available evidence is currently insufficient to determine the role of this variant in disease. Therefore, it has been classified as a Variant of Uncertain Significance.

NM_001099274.3(TINF2):c.799_801del (p.Arg267del)

Gene: TINF2 (TERF1 interacting nuclear factor 2; minus strand). Cytogenetic location: 14q12.
Variant type: Deletion.
Coding change: c.799_801del on transcript NM_001099274.3 (MANE Select); coding-DNA positions 799 to 801, 3 bases deleted (AGA; older notation c.799_801delAGA).
Protein change: p.Arg267del; deletes arginine 267.
Molecular consequence: inframe deletion.
Genome position (GRCh38, 1-based): chr14:24,240,679-24,240,681, TCT deleted on the plus strand (AGA on the coding strand, the reverse complement: TINF2 is on the minus strand); deleting any 3 consecutive bases within chr14:24,240,679-24,240,683 gives the same sequence; the c. name uses the placement nearest the transcript's 3' end. VCF-style (leftmost placement, unchanged base first): chr14-24240678-CTCT-C. GRCh37 (hg19) VCF-style: chr14-24709884-CTCT-C.
Other names: c.799_801delAGA (NM_001099274.3); c.694_696del, p.Arg232del (NM_001363668.2); c.799_801del, p.Arg267del (NM_012461.3); short protein forms R232del, R267del.
Identifiers: ClinVar variation 4744441 (VCV004744441.2).